The following is an entry in ClinVar:

ClinVar aggregate classification (germline): Pathogenic (1 of 4 stars; one submission).

Submission:

GeneDx
Classification: Pathogenic. Last evaluated: 2018-01-15. Review status: criteria provided, single submitter. Criteria: GeneDx Variant Classification (06012015). Collection method: clinical testing. Allele origin: germline. Affected: yes.
Comment: The Y569X variant in the KCNH2 gene has not been reported as a pathogenic or benign to our knowledge. This variant is predicted to cause loss of normal protein function either by protein truncation or nonsense-mediated mRNA decay. Other nonsense variants in the KCNH2 gene have been reported in Human Gene Mutation Database in association with LQTS (Stenson et al., 2014). Furthermore, the Y569X variant is not observed in large population cohorts (Lek et al., 2016).

NM_000238.4(KCNH2):c.1707C>G (p.Tyr569Ter)

Gene: KCNH2 (potassium voltage-gated channel subfamily H member 2; minus strand). Cytogenetic location: 7q36.1.
Variant type: single nucleotide variant.
Coding change: c.1707C>G on transcript NM_000238.4 (MANE Select); coding-DNA position 1707, C replaced by G.
Protein change: p.Tyr569Ter; replaces tyrosine 569 with a stop codon.
Molecular consequence: nonsense.
Genome position (GRCh38, 1-based): chr7:150,951,686, G>C on the plus strand (C>G on the coding strand, the complement: KCNH2 is on the minus strand). VCF-style: chr7-150951686-G-C. GRCh37 (hg19) VCF-style: chr7-150648774-G-C.
Other names: c.687C>G, p.Tyr229Ter (NM_001204798.2, NM_172057.3); c.1419C>G, p.Tyr473Ter (NM_001406753.1, NM_001406756.1); c.1530C>G, p.Tyr510Ter (NM_001406755.1); c.1407C>G, p.Tyr469Ter (NM_001406757.1); c.1707C>G, p.Tyr569Ter (NM_172056.3); short protein forms Y229*, Y569*, Y469*, Y473*, Y510*.
Identifiers: ClinVar variation 489342 (VCV000489342.4), dbSNP rs777831008, ClinGen allele CA369858716.